The following is an entry in ClinVar:

NM_000263.4(NAGLU):c.1501G>A (p.Val501Met)

Gene: NAGLU (N-acetyl-alpha-glucosaminidase; plus strand). Cytogenetic location: 17q21.2.
Variant type: single nucleotide variant.
Coding change: c.1501G>A on transcript NM_000263.4 (MANE Select); coding-DNA position 1501, G replaced by A.
Protein change: p.Val501Met; replaces valine 501 with methionine.
Molecular consequence: missense variant.
Genome position (GRCh38, 1-based): chr17:42,543,507, G>A. VCF-style: chr17-42543507-G-A. GRCh37 (hg19) VCF-style: chr17-40695525-G-A.
Other names: c.1501G>A (NM_000263.3); short protein forms V501M.
Identifiers: ClinVar variation 1053584 (VCV001053584.7), dbSNP rs1300652650, ClinGen allele CA399604023.

ClinVar aggregate classification (germline): Uncertain significance. Review status: criteria provided, multiple submitters, no conflicts (2 of 4 stars). 3 submissions from 3 submitters: Uncertain significance (2). 1 of the submissions does not count toward it. Last evaluated 2023-10-16.

Conditions:
Mucopolysaccharidosis, MPS-III-B (MPS3B). Also called: MPS IIIB (Sanfilippo Syndrome Type B); MUCOPOLYSACCHARIDOSIS, TYPE IIIB; Mucopolysaccharidosis type IIIB (Sanfilippo B); N-ACETYL-ALPHA-D-GLUCOSAMINIDASE DEFICIENCY; NAGLU DEFICIENCY; SANFILIPPO SYNDROME B. Identifiers: Orphanet 79270, MedGen C0086648, MONDO:0009656, OMIM 252920.
Charcot-Marie-Tooth disease axonal type 2V. Also called: CHARCOT-MARIE-TOOTH NEUROPATHY, TYPE 2V; CHARCOT-MARIE-TOOTH DISEASE, AXONAL, AUTOSOMAL DOMINANT, TYPE 2V. Identifiers: Orphanet 447964, MedGen C5569050, MONDO:0014665, OMIM 616491.

Allele frequency attached by ClinVar (database versions not stated): gnomAD 0.00001; gnomAD exomes below 0.00001; TOPMed 0.00001.

Submissions (3):

GeneDx
Classification: Uncertain significance. Last evaluated: 2023-10-16. Review status: criteria provided, single submitter. Criteria: GeneDx Variant Classification Process June 2021. Collection method: clinical testing. Allele origin: germline. Affected: yes.
Comment: Not observed at significant frequency in large population cohorts (gnomAD); In silico analysis supports that this missense variant does not alter protein structure/function; Has not been previously published as pathogenic or benign to our knowledge

Labcorp Genetics (formerly Invitae), Labcorp
Classification: Uncertain significance for Charcot-Marie-Tooth disease axonal type 2V; Mucopolysaccharidosis, MPS-III-B. Last evaluated: 2022-10-24. Review status: criteria provided, single submitter. Criteria: Invitae Variant Classification Sherloc (09022015). Collection method: clinical testing. Allele origin: germline.
Comment: This sequence change replaces valine, which is neutral and non-polar, with methionine, which is neutral and non-polar, at codon 501 of the NAGLU protein (p.Val501Met). This variant is present in population databases (no rsID available, gnomAD 0.007%). This variant has not been reported in the literature in individuals affected with NAGLU-related conditions. ClinVar contains an entry for this variant (Variation ID: 1053584). Advanced modeling of protein sequence and biophysical properties (such as structural, functional, and spatial information, amino acid conservation, physicochemical variation, residue mobility, and thermodynamic stability) has been performed at Invitae for this missense variant, however the output from this modeling did not meet the statistical confidence thresholds required to predict the impact of this variant on NAGLU protein function. In summary, the available evidence is currently insufficient to determine the role of this variant in disease. Therefore, it has been classified as a Variant of Uncertain Significance.

Natera, Inc.
Classification: Uncertain significance for Mucopolysaccharidosis type IIIB. Last evaluated: 2020-05-05. Review status: no assertion criteria provided. Collection method: clinical testing. Allele origin: germline. Not counted in ClinVar's aggregate classification.